The following is an entry in ClinVar:

NM_001365693.1(MGAM):c.8021T>C (p.Met2674Thr)

Gene: MGAM (maltase-glucoamylase; plus strand). Cytogenetic location: 7q34.
Variant type: single nucleotide variant.
Coding change: c.8021T>C on transcript NM_001365693.1 (MANE Select); coding-DNA position 8021, T replaced by C.
Protein change: p.Met2674Thr; replaces methionine 2674 with threonine.
Molecular consequence: missense variant.
Genome position (GRCh38, 1-based): chr7:142,103,276, T>C. VCF-style: chr7-142103276-T-C. GRCh37 (hg19) VCF-style: chr7-141803076-T-C.
Other names: c.5333T>C, p.Met1778Thr (NM_004668.3); short protein forms M1778T, M2674T.
Identifiers: ClinVar variation 2225934 (VCV002225934.4), dbSNP rs116770864, ClinGen allele CA168441628.

ClinVar aggregate classification (germline): Uncertain significance. Review status: criteria provided, multiple submitters, no conflicts (2 of 4 stars). 2 submissions from 2 submitters: Uncertain significance (2). Last evaluated 2025-07-29.

Conditions:
MGAM-related disorder. Also called: MGAM-related condition.

Allele frequency attached by ClinVar (database versions not stated): gnomAD exomes 0.00002; ExAC 0.00004; gnomAD 0.00007; TOPMed 0.00007; 1000 Genomes Project 0.00040; 1000 Genomes Project 30x 0.00047.
gnomAD v4.1: 33 of 1,602,710 alleles (0.0021%); highest among the groups gnomAD compares: African/African-American, 0.036%; no homozygotes.

Submissions (2):

PreventionGenetics, part of Exact Sciences
Classification: Uncertain significance for MGAM-related condition. Last evaluated: 2025-07-29. Review status: criteria provided, single submitter. Criteria: ACMG Guidelines, 2015. Collection method: clinical testing. Allele origin: germline.
Comment: The MGAM c.8021T>C variant is predicted to result in the amino acid substitution p.Met2674Thr. To our knowledge, this variant has not been reported in the literature. This variant is reported in 0.013% of alleles in individuals of African descent in gnomAD. At this time, the clinical significance of this variant is uncertain due to the absence of conclusive functional and genetic evidence.

Ambry Genetics
Classification: Uncertain significance. Last evaluated: 2025-01-21. Review status: criteria provided, single submitter. Criteria: Ambry Variant Classification Scheme 2023. Collection method: clinical testing. Allele origin: germline.